The following is an entry in ClinVar:

ClinVar aggregate classification (germline): Uncertain significance (1 of 4 stars; one submission).

Allele frequency attached by ClinVar (database versions not stated): ExAC 0.00001; TOPMed 0.00005; gnomAD 0.00003.

Submission:

Labcorp Genetics (formerly Invitae), Labcorp
Classification: Uncertain significance. Last evaluated: 2022-07-19. Review status: criteria provided, single submitter. Criteria: Invitae Variant Classification Sherloc (09022015). Collection method: clinical testing. Allele origin: germline.
Comment: This sequence change replaces lysine, which is basic and polar, with glutamic acid, which is acidic and polar, at codon 545 of the RNF168 protein (p.Lys545Glu). This variant is present in population databases (rs769465675, gnomAD 0.02%). This variant has not been reported in the literature in individuals affected with RNF168-related conditions. ClinVar contains an entry for this variant (Variation ID: 1422426). Algorithms developed to predict the effect of missense changes on protein structure and function (SIFT, PolyPhen-2, Align-GVGD) all suggest that this variant is likely to be tolerated. In summary, the available evidence is currently insufficient to determine the role of this variant in disease. Therefore, it has been classified as a Variant of Uncertain Significance.

NM_152617.4(RNF168):c.1633A>G (p.Lys545Glu)

Gene: RNF168 (ring finger protein 168; minus strand). Cytogenetic location: 3q29.
Variant type: single nucleotide variant.
Coding change: c.1633A>G on transcript NM_152617.4 (MANE Select); coding-DNA position 1633, A replaced by G.
Protein change: p.Lys545Glu; replaces lysine 545 with glutamic acid.
Molecular consequence: missense variant.
Genome position (GRCh38, 1-based): chr3:196,471,902, T>C on the plus strand (A>G on the coding strand, the complement: RNF168 is on the minus strand). VCF-style: chr3-196471902-T-C. GRCh37 (hg19) VCF-style: chr3-196198773-T-C.
Other names: short protein forms K545E.
Identifiers: ClinVar variation 1422426 (VCV001422426.5), dbSNP rs769465675, ClinGen allele CA2780620.